The following is an entry in ClinVar:

ClinVar aggregate classification (germline): Likely benign. Review status: criteria provided, multiple submitters, no conflicts (2 of 4 stars). 2 submissions from 2 submitters: Likely benign (2). Last evaluated 2025-01-30.

Allele frequency attached by ClinVar (database versions not stated): gnomAD 0.00002.
gnomAD v4.1: 65 of 1,613,948 alleles (0.004%); highest among the groups gnomAD compares: Non-Finnish European, 0.005%; no homozygotes.

Submissions (2):

Labcorp Genetics (formerly Invitae), Labcorp
Classification: Likely benign. Last evaluated: 2025-01-30. Review status: criteria provided, single submitter. Criteria: Invitae Variant Classification Sherloc (09022015). Collection method: clinical testing. Allele origin: germline.

CeGaT Center for Human Genetics Tuebingen
Classification: Likely benign. Last evaluated: 2024-07-01. Review status: criteria provided, single submitter. Criteria: CeGaT Center For Human Genetics Tuebingen Variant Classification Criteria Version 2. Collection method: clinical testing. Allele origin: germline. Affected: yes. Observed: 1 variant allele.
Comment: MCPH1: BP4, BP7

NM_024596.5(MCPH1):c.2244A>C (p.Ala748=)

Genes: MCPH1 (microcephalin 1; plus strand), MCPH1-AS1 (MCPH1 antisense RNA 1; minus strand). Cytogenetic location: 8p23.1.
Variant type: single nucleotide variant.
Coding change: c.2244A>C on transcript NM_024596.5 (MANE Select); coding-DNA position 2244, A replaced by C.
Protein change: p.Ala748=; no amino-acid change (alanine 748 retained).
Molecular consequence: synonymous variant. On other transcripts: non-coding transcript variant (1).
Genome position (GRCh38, 1-based): chr8:6,621,483, A>C. VCF-style: chr8-6621483-A-C. GRCh37 (hg19) VCF-style: chr8-6479004-A-C.
Other names: c.2244A>C, p.Ala748= (NM_001322042.2, NM_001363979.1, NM_001410917.1); c.1965A>C, p.Ala655= (NM_001363980.2).
Identifiers: ClinVar variation 2893981 (VCV002893981.20), dbSNP rs776950876, ClinGen allele CA4611470.